The following is an entry in ClinVar:

NM_001146156.2(GSK3B):c.283-68G>A

Gene: GSK3B (glycogen synthase kinase 3 beta; minus strand). Cytogenetic location: 3q13.33.
Variant type: single nucleotide variant.
Coding change: c.283-68G>A on transcript NM_001146156.2 (MANE Select); 68 bases into the intron before coding-DNA position 283, G replaced by A.
Molecular consequence: intron variant.
Genome position (GRCh38, 1-based): chr3:119,947,419, C>T on the plus strand (G>A on the coding strand, the complement: GSK3B is on the minus strand). VCF-style: chr3-119947419-C-T. GRCh37 (hg19) VCF-style: chr3-119666266-C-T.
Other names: c.283-68G>A (NM_001354596.2, NM_002093.4).
Identifiers: ClinVar variation 1227109 (VCV001227109.4), dbSNP rs13312998, ClinGen allele CA11584417.
Genomic context (GRCh38, chr3:119,947,419, plus strand): 5'-GGAAACACATAAAAATATATTTTTAAAGGATAACAGCTATTCATCATATTGAACAAGATG[C>T]TTCTGAAATAACATTAAGCACTAAAATTAGCAAGCTATAGATATGCTACTAAAAAGTGTG-3'

ClinVar aggregate classification (germline): Benign. Review status: criteria provided, multiple submitters, no conflicts (2 of 4 stars). 2 submissions from 2 submitters: Benign (2). Last evaluated 2019-06-14.

Allele frequency attached by ClinVar (database versions not stated): gnomAD exomes 0.08477; gnomAD 0.11180 and 0.11224; TOPMed 0.11276; 1000 Genomes Project 30x 0.12180; 1000 Genomes Project 0.12380.
gnomAD v4.1: 85,993 of 962,868 alleles (8.9%); highest among the groups gnomAD compares: African/African-American, 19%; 4,678 homozygotes.

Submissions (2):

GeneDx
Classification: Benign. Last evaluated: 2019-06-14. Review status: criteria provided, single submitter. Criteria: GeneDx Variant Classification Process June 2021. Collection method: clinical testing. Allele origin: germline. Affected: yes.
Comment: This variant is associated with the following publications: (PMID: 18852354)

Breakthrough Genomics
Classification: Benign. Review status: criteria provided, single submitter. Criteria: ACMG Guidelines, 2015. Collection method: not provided. Allele origin: germline. Inheritance: Unknown mechanism. Affected: yes.